The following is an entry in ClinVar:

ClinVar aggregate classification (germline): Uncertain significance (1 of 4 stars; one submission).

Conditions:
Early-onset Lafora body disease. Also called: Epilepsy, progressive myoclonic, 10. Identifiers: Orphanet 324290, MedGen C4225258, MONDO:0014717, OMIM 616640.

Allele frequency attached by ClinVar (database versions not stated): gnomAD 0.00003 and 0.00004; gnomAD exomes 0.00004 and 0.00010; ExAC 0.00005; TOPMed 0.00005.
gnomAD v4.1: 30 of 1,611,426 alleles (0.0019%); highest among the groups gnomAD compares: Admixed American, 0.05%; no homozygotes.

Submission:

Labcorp Genetics (formerly Invitae), Labcorp
Classification: Uncertain significance for Early-onset Lafora body disease. Last evaluated: 2024-05-20. Review status: criteria provided, single submitter. Criteria: Invitae Variant Classification Sherloc (09022015). Collection method: clinical testing. Allele origin: germline.
Comment: This sequence change replaces glycine, which is neutral and non-polar, with serine, which is neutral and polar, at codon 208 of the PRDM8 protein (p.Gly208Ser). This variant is present in population databases (rs761182081, gnomAD 0.07%). This variant has not been reported in the literature in individuals affected with PRDM8-related conditions. ClinVar contains an entry for this variant (Variation ID: 475681). An algorithm developed to predict the effect of missense changes on protein structure and function (PolyPhen-2) suggests that this variant is likely to be disruptive. In summary, the available evidence is currently insufficient to determine the role of this variant in disease. Therefore, it has been classified as a Variant of Uncertain Significance.

NM_001099403.2(PRDM8):c.622G>A (p.Gly208Ser)

Gene: PRDM8 (PR/SET domain 8; plus strand). Cytogenetic location: 4q21.21.
Variant type: single nucleotide variant.
Coding change: c.622G>A on transcript NM_001099403.2 (MANE Select); coding-DNA position 622, G replaced by A.
Protein change: p.Gly208Ser; replaces glycine 208 with serine.
Molecular consequence: missense variant.
Genome position (GRCh38, 1-based): chr4:80,202,084, G>A. VCF-style: chr4-80202084-G-A. GRCh37 (hg19) VCF-style: chr4-81123238-G-A.
Other names: c.622G>A, p.Gly208Ser (NM_020226.4); short protein forms G208S.
Identifiers: ClinVar variation 475681 (VCV000475681.7), dbSNP rs761182081, ClinGen allele CA2982290.